The following is an entry in ClinVar:

NM_001286611.2(REPS1):c.1971+10C>T

Gene: REPS1 (RALBP1 associated Eps domain containing 1; minus strand). Cytogenetic location: 6q24.1.
Variant type: single nucleotide variant.
Coding change: c.1971+10C>T on transcript NM_001286611.2 (MANE Select); 10 bases into the intron after coding-DNA position 1971, C replaced by T.
Molecular consequence: intron variant.
Genome position (GRCh38, 1-based): chr6:138,912,755, G>A on the plus strand (C>T on the coding strand, the complement: REPS1 is on the minus strand). VCF-style: chr6-138912755-G-A. GRCh37 (hg19) VCF-style: chr6-139233892-G-A.
Other names: c.1698+10C>T (NM_001286612.2); c.1890+10C>T (NM_001128617.3); c.1968+10C>T (NM_031922.5).
Identifiers: ClinVar variation 1973654 (VCV001973654.5), dbSNP rs752578770, ClinGen allele CA4024003.

ClinVar aggregate classification (germline): Uncertain significance (1 of 4 stars; one submission).

Allele frequency attached by ClinVar (database versions not stated): gnomAD exomes below 0.00001; ExAC 0.00001; gnomAD 0.00001.
gnomAD v4.1: 4 of 1,613,948 alleles (0.00025%); highest among the groups gnomAD compares: East Asian, 0.0022%; no homozygotes.

Submission:

Labcorp Genetics (formerly Invitae), Labcorp
Classification: Uncertain significance. Last evaluated: 2022-07-14. Review status: criteria provided, single submitter. Criteria: Invitae Variant Classification Sherloc (09022015). Collection method: clinical testing. Allele origin: germline.
Comment: In summary, the available evidence is currently insufficient to determine the role of this variant in disease. Therefore, it has been classified as a Variant of Uncertain Significance. Algorithms developed to predict the effect of sequence changes on RNA splicing suggest that this variant may disrupt the consensus splice site. This variant has not been reported in the literature in individuals affected with REPS1-related conditions. This variant is present in population databases (rs752578770, gnomAD 0.006%). This sequence change falls in intron 16 of the REPS1 gene. It does not directly change the encoded amino acid sequence of the REPS1 protein.